The following is an entry in ClinVar:

ClinVar aggregate classification (germline): Uncertain significance (1 of 4 stars; one submission).

Allele frequency attached by ClinVar (database versions not stated): gnomAD exomes 0.00001.
gnomAD v4.1: 8 of 1,614,266 alleles (0.0005%); highest among the groups gnomAD compares: Non-Finnish European, 0.00051%; no homozygotes.

Submission:

Labcorp Genetics (formerly Invitae), Labcorp
Classification: Uncertain significance. Last evaluated: 2020-03-10. Review status: criteria provided, single submitter. Criteria: Invitae Variant Classification Sherloc (09022015). Collection method: clinical testing. Allele origin: germline.
Comment: This variant is not present in population databases (ExAC no frequency). This sequence change replaces histidine with arginine at codon 85 of the PDZD7 protein (p.His85Arg). The histidine residue is highly conserved and there is a small physicochemical difference between histidine and arginine. This variant has not been reported in the literature in individuals with PDZD7-related conditions. Algorithms developed to predict the effect of missense changes on protein structure and function are either unavailable or do not agree on the potential impact of this missense change (SIFT: "Tolerated"; PolyPhen-2: "Not Available"; Align-GVGD: "Class C0"). In summary, the available evidence is currently insufficient to determine the role of this variant in disease. Therefore, it has been classified as a Variant of Uncertain Significance.

NM_001195263.2(PDZD7):c.254A>G (p.His85Arg)

Gene: PDZD7 (PDZ domain containing 7; minus strand). Cytogenetic location: 10q24.31.
Variant type: single nucleotide variant.
Coding change: c.254A>G on transcript NM_001195263.2 (MANE Select); coding-DNA position 254, A replaced by G.
Protein change: p.His85Arg; replaces histidine 85 with arginine.
Molecular consequence: missense variant.
Genome position (GRCh38, 1-based): chr10:101,024,041, T>C on the plus strand (A>G on the coding strand, the complement: PDZD7 is on the minus strand). VCF-style: chr10-101024041-T-C. GRCh37 (hg19) VCF-style: chr10-102783798-T-C.
Other names: c.254A>G, p.His85Arg (NM_001351044.2, NM_024895.5); short protein forms H85R.
Identifiers: ClinVar variation 1045845 (VCV001045845.8), dbSNP rs1222143587, ClinGen allele CA378231069.